The following is an entry in ClinVar:

NM_004991.4(MECOM):c.3600G>C (p.Met1200Ile)

Gene: MECOM (MDS1 and EVI1 complex locus; minus strand). Cytogenetic location: 3q26.2.
Variant type: single nucleotide variant.
Coding change: c.3600G>C on transcript NM_004991.4 (MANE Select); coding-DNA position 3600, G replaced by C.
Protein change: p.Met1200Ile; replaces methionine 1200 with isoleucine.
Molecular consequence: missense variant.
Genome position (GRCh38, 1-based): chr3:169,085,029, C>G on the plus strand (G>C on the coding strand, the complement: MECOM is on the minus strand). VCF-style: chr3-169085029-C-G. GRCh37 (hg19) VCF-style: chr3-168802817-C-G.
Other names: c.3231G>C, p.Met1077Ile (NM_001105077.4); c.3036G>C, p.Met1012Ile (NM_001105078.4, NM_001205194.2, NM_001366469.2 and 1 more transcripts); c.3012G>C, p.Met1004Ile (NM_001163999.2, NM_001366470.2); c.3009G>C, p.Met1003Ile (NM_001164000.2, NM_001366471.2, NM_001366472.2); c.3573G>C, p.Met1191Ile (NM_001366466.2); c.3039G>C, p.Met1013Ile (NM_001366467.2, NM_001366468.2); c.2601G>C, p.Met867Ile (NM_001366473.2); c.2037G>C, p.Met679Ile (NM_001366474.2); short protein forms M1003I, M1004I, M1200I, M679I, M867I, M1012I, M1191I, M1013I.
Identifiers: ClinVar variation 4053094 (VCV004053094.1).

ClinVar aggregate classification (germline): Uncertain significance (1 of 4 stars; one submission).

Conditions:
Inborn genetic diseases. Identifiers: MedGen C0950123, MeSH D030342.

Submission:

Ambry Genetics
Classification: Uncertain significance for Inborn genetic diseases. Last evaluated: 2025-03-24. Review status: criteria provided, single submitter. Criteria: Ambry Variant Classification Scheme 2023. Collection method: clinical testing. Allele origin: germline.
Comment: The p.M1200I variant (also known as c.3600G>C), located in coding exon 17 of the MECOM gene, results from a G to C substitution at nucleotide position 3600. The methionine at codon 1200 is replaced by isoleucine, an amino acid with highly similar properties. This amino acid position is conserved. In addition, the in silico prediction for this alteration is inconclusive. Based on the available evidence, the clinical significance of this variant remains unclear.